The following is an entry in ClinVar:

ClinVar aggregate classification (germline): Uncertain significance (1 of 4 stars; one submission).

Allele frequency attached by ClinVar (database versions not stated): gnomAD exomes below 0.00001; ExAC 0.00001.
gnomAD v4.1: 3 of 1,607,056 alleles (0.00019%); highest among the groups gnomAD compares: Non-Finnish European, 0.00025%; no homozygotes.

Submission:

Labcorp Genetics (formerly Invitae), Labcorp
Classification: Uncertain significance. Last evaluated: 2022-03-16. Review status: criteria provided, single submitter. Criteria: Invitae Variant Classification Sherloc (09022015). Collection method: clinical testing. Allele origin: germline.
Comment: This sequence change replaces serine, which is neutral and polar, with asparagine, which is neutral and polar, at codon 1019 of the CAMTA1 protein (p.Ser1019Asn). This variant is present in population databases (rs768723516, gnomAD 0.0009%). In summary, the available evidence is currently insufficient to determine the role of this variant in disease. Therefore, it has been classified as a Variant of Uncertain Significance. Algorithms developed to predict the effect of missense changes on protein structure and function are either unavailable or do not agree on the potential impact of this missense change (SIFT: "Deleterious"; PolyPhen-2: "Benign"; Align-GVGD: "Class C0"). This variant has not been reported in the literature in individuals affected with CAMTA1-related conditions.

NM_015215.4(CAMTA1):c.3056G>A (p.Ser1019Asn)

Gene: CAMTA1 (calmodulin binding transcription activator 1; plus strand). Cytogenetic location: 1p36.23.
Variant type: single nucleotide variant.
Coding change: c.3056G>A on transcript NM_015215.4 (MANE Select); coding-DNA position 3056, G replaced by A.
Protein change: p.Ser1019Asn; replaces serine 1019 with asparagine.
Molecular consequence: missense variant.
Genome position (GRCh38, 1-based): chr1:7,732,589, G>A. VCF-style: chr1-7732589-G-A. GRCh37 (hg19) VCF-style: chr1-7792649-G-A.
Other names: c.2966G>A, p.Ser989Asn (NM_001349608.2, NM_001349612.2); c.3056G>A, p.Ser1019Asn (NM_001349609.2, NM_001349610.2, NM_001410737.1); c.185G>A, p.Ser62Asn (NM_001349613.1); c.128G>A, p.Ser43Asn (NM_001349614.1, NM_001349615.2, NM_001349616.2 and 10 more transcripts); c.2984G>A, p.Ser995Asn (NM_001410738.1); short protein forms S62N, S1019N, S995N, S43N, S989N.
Identifiers: ClinVar variation 2113087 (VCV002113087.4), dbSNP rs768723516, ClinGen allele CA566810.
Genomic context (GRCh38, chr1:7,732,589, plus strand): 5'-ACAAACAGGCGAGCGGAGGCGGCAGCAGTGGAGGCGGCAGCGGGAGCGGGAATGGAGGGA[G>A]CCAGGCACAGGTACGAGGCGGTGCTGATGCTCAGCTCCCATTTCGCTTCATGTTTATGGA-3'
Protein context (NP_056030.1, residues 1009-1029): GGGSGSGNGG[Ser1019Asn]QAQCASGTGA